The following is an entry in ClinVar:

ClinVar aggregate classification (germline): Benign (0 of 4 stars; one submission).

Conditions:
PLEKHA7-related disorder. Also called: PLEKHA7-related condition.

Allele frequency attached by ClinVar (database versions not stated): gnomAD exomes 0.00124; ExAC 0.00446; gnomAD 0.01306; TOPMed 0.01496; 1000 Genomes Project 0.01617; ESP Exome Variant Server 0.01740; 1000 Genomes Project 30x 0.01843.
gnomAD v4.1: 3,874 of 1,614,194 alleles (0.24%); highest among the groups gnomAD compares: African/African-American, 4.6%; 82 homozygotes.

Submission:

PreventionGenetics, part of Exact Sciences
Classification: Benign for PLEKHA7-related condition. Last evaluated: 2019-06-25. Review status: no assertion criteria provided. Collection method: clinical testing. Allele origin: germline.
Comment: This variant is classified as benign based on ACMG/AMP sequence variant interpretation guidelines (Richards et al. 2015 PMID: 25741868, with internal and published modifications).

NM_001329630.2(PLEKHA7):c.2326A>G (p.Asn776Asp)

Gene: PLEKHA7 (pleckstrin homology domain containing A7; minus strand). Cytogenetic location: 11p15.2.
Variant type: single nucleotide variant.
Coding change: c.2326A>G on transcript NM_001329630.2 (MANE Select); coding-DNA position 2326, A replaced by G.
Protein change: p.Asn776Asp; replaces asparagine 776 with aspartic acid.
Molecular consequence: missense variant.
Genome position (GRCh38, 1-based): chr11:16,801,057, T>C on the plus strand (A>G on the coding strand, the complement: PLEKHA7 is on the minus strand). VCF-style: chr11-16801057-T-C. GRCh37 (hg19) VCF-style: chr11-16822604-T-C.
Other names: c.2326A>G, p.Asn776Asp (NM_001329631.2, NM_001410960.1, NM_175058.5); short protein forms N776D.
Identifiers: ClinVar variation 3039284 (VCV003039284.2), dbSNP rs146070013, ClinGen allele CA5899129.